The following is an entry in ClinVar:

ClinVar aggregate classification (germline): Uncertain significance (1 of 4 stars; one submission).

Conditions:
Hereditary cancer-predisposing syndrome. Also called: Neoplastic Syndromes, Hereditary; Tumor predisposition; Hereditary neoplastic syndrome; Hereditary Cancer Syndrome. Identifiers: Orphanet 140162, MedGen C0027672, MeSH D009386, MONDO:0015356.

Submission:

Ambry Genetics
Classification: Uncertain significance for Hereditary cancer-predisposing syndrome. Last evaluated: 2022-12-03. Review status: criteria provided, single submitter. Criteria: Ambry Variant Classification Scheme 2023. Collection method: clinical testing. Allele origin: germline.
Comment: The p.L996S variant (also known as c.2987T>C), located in coding exon 4 of the MSH6 gene, results from a T to C substitution at nucleotide position 2987. The leucine at codon 996 is replaced by serine, an amino acid with dissimilar properties. This amino acid position is conserved. In addition, this alteration is predicted to be deleterious by in silico analysis. Since supporting evidence is limited at this time, the clinical significance of this alteration remains unclear.

NM_000179.3(MSH6):c.2987T>C (p.Leu996Ser)

Gene: MSH6 (mutS homolog 6; plus strand). Cytogenetic location: 2p16.3.
Variant type: single nucleotide variant.
Coding change: c.2987T>C on transcript NM_000179.3 (MANE Select); coding-DNA position 2987, T replaced by C.
Protein change: p.Leu996Ser; replaces leucine 996 with serine.
Molecular consequence: missense variant. On other transcripts: non-coding transcript variant (5), intron variant (2).
Genome position (GRCh38, 1-based): chr2:47,800,970, T>C. VCF-style: chr2-47800970-T-C. GRCh37 (hg19) VCF-style: chr2-48028109-T-C.
Other names: c.2597T>C, p.Leu866Ser (NM_001281492.2); c.2081T>C, p.Leu694Ser (NM_001281493.2, NM_001281494.2, NM_001406811.1 and 6 more transcripts); c.3083T>C, p.Leu1028Ser (NM_001406795.1, NM_001406802.1); c.2987T>C, p.Leu996Ser (NM_001406796.1, NM_001406798.1, NM_001406800.1 and 2 more transcripts); c.2690T>C, p.Leu897Ser (NM_001406797.1, NM_001406801.1, NM_001406805.1 and 10 more transcripts); c.2462T>C, p.Leu821Ser (NM_001406799.1, NM_001406806.1, NM_001406807.1); c.2909T>C, p.Leu970Ser (NM_001406804.1); c.2993T>C, p.Leu998Ser (NM_001406813.1); and 4 more; short protein forms L866S, L996S, L311S, L821S, L970S, L998S, L897S, L940S.
Identifiers: ClinVar variation 2453169 (VCV002453169.2), dbSNP rs2104434592, ClinGen allele CA346756372.